The following is an entry in ClinVar:

NM_004006.3(DMD):c.9583C>T (p.Arg3195Cys)

Gene: DMD (dystrophin; minus strand). Cytogenetic location: Xp21.2.
Variant type: single nucleotide variant.
Coding change: c.9583C>T on transcript NM_004006.3 (MANE Select); coding-DNA position 9583, C replaced by T.
Protein change: p.Arg3195Cys; replaces arginine 3195 with cysteine.
Molecular consequence: missense variant.
Genome position (GRCh38, 1-based): chrX:31,206,648, G>A on the plus strand (C>T on the coding strand, the complement: DMD is on the minus strand). VCF-style: chrX-31206648-G-A. GRCh37 (hg19) VCF-style: chrX-31224765-G-A.
Other names: c.9559C>T, p.Arg3187Cys (NM_000109.4); c.9571C>T, p.Arg3191Cys (NM_004009.3); c.9214C>T, p.Arg3072Cys (NM_004010.3); c.5560C>T, p.Arg1854Cys (NM_004011.4); c.5551C>T, p.Arg1851Cys (NM_004012.4); c.2203C>T, p.Arg735Cys (NM_004013.3, NM_004020.4, NM_004021.3 and 2 more transcripts); c.1396C>T, p.Arg466Cys (NM_004014.3); c.379C>T, p.Arg127Cys (NM_004015.3, NM_004016.3, NM_004017.3 and 2 more transcripts); short protein forms R3195C, R735C, R127C, R1851C, R1854C, R466C, R3072C, R3187C.
Identifiers: ClinVar variation 1413453 (VCV001413453.6), dbSNP rs2148564609, ClinGen allele CA412649576.

ClinVar aggregate classification (germline): Uncertain significance (1 of 4 stars; one submission).

Conditions:
Duchenne muscular dystrophy (DMD). Also called: MUSCULAR DYSTROPHY, PSEUDOHYPERTROPHIC PROGRESSIVE, DUCHENNE TYPE; Duchenne Muscular Dystrophy (DMD). Identifiers: Orphanet 98896, MedGen C0013264, MONDO:0010679, OMIM 310200.

gnomAD v4.1: 3 of 1,209,567 alleles (0.00025%); highest among the groups gnomAD compares: South Asian, 0.0018%; no homozygotes.

Submission:

Labcorp Genetics (formerly Invitae), Labcorp
Classification: Uncertain significance for Duchenne muscular dystrophy. Last evaluated: 2022-06-27. Review status: criteria provided, single submitter. Criteria: Invitae Variant Classification Sherloc (09022015). Collection method: clinical testing. Allele origin: germline.
Comment: This sequence change replaces arginine, which is basic and polar, with cysteine, which is neutral and slightly polar, at codon 3195 of the DMD protein (p.Arg3195Cys). This variant is not present in population databases (gnomAD no frequency). This variant has not been reported in the literature in individuals affected with DMD-related conditions. Algorithms developed to predict the effect of missense changes on protein structure and function (SIFT, PolyPhen-2, Align-GVGD) all suggest that this variant is likely to be disruptive. In summary, the available evidence is currently insufficient to determine the role of this variant in disease. Therefore, it has been classified as a Variant of Uncertain Significance.